The following is an entry in ClinVar:

ClinVar aggregate classification (germline): Uncertain significance (1 of 4 stars; one submission).

Conditions:
Marfan syndrome (MFS). Also called: MARFAN SYNDROME, TYPE I; Marfan syndrome type 1; Marfan's syndrome; Marfan syndrome, classic; FBN1-Related Marfan Syndrome. Identifiers: Orphanet 284963, Orphanet 558, MedGen C0024796, MONDO:0007947, OMIM 154700.

Submission:

All of Us Research Program, National Institutes of Health
Classification: Uncertain significance for Marfan syndrome. Last evaluated: 2023-11-02. Review status: criteria provided, single submitter. Criteria: ACMG Guidelines, 2015. Collection method: clinical testing. Allele origin: germline. Inheritance: Autosomal dominant inheritance. Observed: 1 variant allele, 1 heterozygote.
Comment: This missense variant replaces glutamic acid with lysine at codon 995 of the FBN1 protein. Computational prediction is inconclusive regarding the impact of this variant on protein structure and function (internally defined REVEL score threshold 0.5 < inconclusive < 0.7, PMID: 27666373). To our knowledge, functional studies have not been reported for this variant. This variant has not been reported in individuals affected with FBN1-related disorders in the literature. This variant has not been identified in the general population by the Genome Aggregation Database (gnomAD). The available evidence is insufficient to determine the role of this variant in disease conclusively. Therefore, this variant is classified as a Variant of Uncertain Significance.

This study involves interpretation of variants in research participants for the purpose of population health screening. Participant phenotype was not available at the time of variant classification. Additional details can be found in publication PMID: 35346344, PMCID: PMC8962531

NM_000138.5(FBN1):c.2983G>A (p.Glu995Lys)

Gene: FBN1 (fibrillin 1; minus strand). Cytogenetic location: 15q21.1.
Variant type: single nucleotide variant.
Coding change: c.2983G>A on transcript NM_000138.5 (MANE Select); coding-DNA position 2983, G replaced by A.
Protein change: p.Glu995Lys; replaces glutamic acid 995 with lysine.
Molecular consequence: missense variant.
Genome position (GRCh38, 1-based): chr15:48,489,950, C>T on the plus strand (G>A on the coding strand, the complement: FBN1 is on the minus strand). VCF-style: chr15-48489950-C-T. GRCh37 (hg19) VCF-style: chr15-48782147-C-T.
Other names: c.2983G>A, p.Glu995Lys (NM_001406716.1); short protein forms E995K.
Identifiers: ClinVar variation 3074390 (VCV003074390.1), dbSNP rs2505558068, ClinGen allele CA392329254.